The following is an entry in ClinVar:

ClinVar aggregate classification (germline): Pathogenic/Likely pathogenic. Review status: criteria provided, multiple submitters, no conflicts (2 of 4 stars). 3 submissions from 3 submitters: Pathogenic (1); Likely pathogenic (1). 1 of the submissions does not count toward it. Last evaluated 2025-04-24.

Conditions:
Mucopolysaccharidosis type 6 (MPS6). Also called: N-ACETYLGALACTOSAMINE-4-SULFATASE DEFICIENCY; MPS VI; MPS 6; Maroteaux Lamy syndrome; ARSB DEFICIENCY; ARYLSULFATASE B DEFICIENCY. Identifiers: Orphanet 583, MedGen C0026709, MONDO:0009661, OMIM 253200.

Allele frequency attached by ClinVar (database versions not stated): TOPMed 0.00001; gnomAD 0.00003.

Submissions (3):

Women's Health and Genetics/Laboratory Corporation of America, LabCorp
Classification: Likely pathogenic for Mucopolysaccharidosis type 6. Last evaluated: 2025-04-24. Review status: criteria provided, single submitter. Criteria: LabCorp Variant Classification Summary - May 2015. Collection method: clinical testing. Allele origin: germline.
Comment: Variant summary: ARSB c.215T>C (p.Leu72Pro) results in a non-conservative amino acid change in the encoded protein sequence. Five of five in-silico tools predict a damaging effect of the variant on protein function. The variant was absent in 182450 control chromosomes (gnomAD). c.215T>C has been observed in individuals affected with Mucopolysaccharidosis Type VI (Maroteaux-Lamy Syndrome) (Jurecka_2014, Chuang_2021). These data indicate that the variant may be associated with disease. A different variant affecting the same codon has been classified as pathogenic by our lab (c.215T>G, p.Leu72Arg), supporting the critical relevance of codon 72 to ARSB protein function. To our knowledge, no experimental evidence demonstrating an impact on protein function has been reported. The following publications have been ascertained in the context of this evaluation (PMID: 34573925, 36077388, 24373060). ClinVar contains an entry for this variant (Variation ID: 559739). Based on the evidence outlined above, the variant was classified as likely pathogenic.

Labcorp Genetics (formerly Invitae), Labcorp
Classification: Pathogenic for Mucopolysaccharidosis type 6. Last evaluated: 2021-10-15. Review status: criteria provided, single submitter. Criteria: Invitae Variant Classification Sherloc (09022015). Collection method: clinical testing. Allele origin: germline.
Comment: This sequence change replaces leucine with proline at codon 72 of the ARSB protein (p.Leu72Pro). The leucine residue is moderately conserved and there is a moderate physicochemical difference between leucine and proline. This variant is not present in population databases (ExAC no frequency). This missense change has been observed in individual(s) with mucopolysaccharidosis type VI (PMID: 24373060). ClinVar contains an entry for this variant (Variation ID: 559739). Advanced modeling of protein sequence and biophysical properties (such as structural, functional, and spatial information, amino acid conservation, physicochemical variation, residue mobility, and thermodynamic stability) performed at Invitae indicates that this missense variant is expected to disrupt ARSB protein function. This variant disrupts the p.Leu72 amino acid residue in ARSB. Other variant(s) that disrupt this residue have been determined to be pathogenic (PMID: 16435196, 17458871, 25190157; Invitae). This suggests that this residue is clinically significant, and that variants that disrupt this residue are likely to be disease-causing. For these reasons, this variant has been classified as Pathogenic.

Laboratory of Diagnosis and Therapy of Lysosomal Disorders, University of Padova
Classification: Uncertain significance for Mucopolysaccharidosis type 6. Last evaluated: 2018-01-01. Review status: flagged submission. Criteria: ACMG Guidelines, 2015. Collection method: curation. Allele origin: germline. Affected: yes. Not counted in ClinVar's aggregate classification.
Comment: Very low frequency in GnomAD (PM2)
ClinVar note: Reason: Older claim that does not account for recent evidence

Literature cited by the submitters: PubMed 34573925 (cited by Women's Health and Genetics/Laboratory Corporation of America, LabCorp); PubMed 24373060 (cited by 3 submitters); PubMed 36077388 (cited by Women's Health and Genetics/Laboratory Corporation of America, LabCorp); PubMed 16435196 (cited by Labcorp Genetics (formerly Invitae), Labcorp); PubMed 17458871 (cited by Labcorp Genetics (formerly Invitae), Labcorp); PubMed 25190157 (cited by Labcorp Genetics (formerly Invitae), Labcorp); PubMed 30118150 (cited by Laboratory of Diagnosis and Therapy of Lysosomal Disorders, University of Padova).

NM_000046.5(ARSB):c.215T>C (p.Leu72Pro)

Genes: ARSB (arylsulfatase B; minus strand), LOC129994126 (ATAC-STARR-seq lymphoblastoid silent region 16127; plus strand). Cytogenetic location: 5q14.1.
Variant type: single nucleotide variant.
Coding change: c.215T>C on transcript NM_000046.5 (MANE Select); coding-DNA position 215, T replaced by C.
Protein change: p.Leu72Pro; replaces leucine 72 with proline.
Molecular consequence: missense variant.
Genome position (GRCh38, 1-based): chr5:78,985,034, A>G on the plus strand (T>C on the coding strand, the complement: ARSB is on the minus strand). VCF-style: chr5-78985034-A-G. GRCh37 (hg19) VCF-style: chr5-78280857-A-G.
Other names: c.215T>C, p.Leu72Pro (NM_198709.3); short protein forms L72P.
Identifiers: ClinVar variation 559739 (VCV000559739.9), dbSNP rs397514441, ClinGen allele CA121117700.